The following is an entry in ClinVar:

ClinVar aggregate classification (germline): Uncertain significance. Review status: criteria provided, multiple submitters, no conflicts (2 of 4 stars). 5 submissions from 5 submitters: Uncertain significance (4). 1 of the submissions does not count toward it. Last evaluated 2026-04-04.

Conditions:
Inborn genetic diseases. Identifiers: MedGen C0950123, MeSH D030342.
Usher syndrome type 1F (USH1F). Also called: USHER SYNDROME, TYPE IF. Identifiers: Orphanet 231169, Orphanet 886, MedGen C1865885, MONDO:0011186, OMIM 602083.

Allele frequency attached by ClinVar (database versions not stated): gnomAD exomes 0.00003; TOPMed 0.00004; ExAC 0.00002; gnomAD 0.00002.
gnomAD v4.1: 32 of 1,613,550 alleles (0.002%); highest among the groups gnomAD compares: African/African-American, 0.0053%; no homozygotes.

Submissions (5):

GeneDx
Classification: Uncertain significance. Last evaluated: 2026-04-04. Review status: criteria provided, single submitter. Criteria: GeneDx Variant Classification Process June 2021. Collection method: clinical testing. Allele origin: germline.
Comment: In silico analysis suggests that this missense variant does not alter protein structure/function; Has not been previously published as pathogenic or benign to our knowledge

Ambry Genetics
Classification: Uncertain significance for Inborn genetic diseases. Last evaluated: 2024-12-10. Review status: criteria provided, single submitter. Criteria: Ambry Variant Classification Scheme 2023. Collection method: clinical testing. Allele origin: germline.

Blueprint Genetics
Classification: Uncertain significance. Last evaluated: 2023-02-20. Review status: criteria provided, single submitter. Criteria: ACMG Guidelines, 2015. Collection method: clinical testing. Allele origin: germline.

Labcorp Genetics (formerly Invitae), Labcorp
Classification: Uncertain significance. Last evaluated: 2022-07-26. Review status: criteria provided, single submitter. Criteria: Invitae Variant Classification Sherloc (09022015). Collection method: clinical testing. Allele origin: germline.
Comment: This sequence change replaces arginine, which is basic and polar, with glutamine, which is neutral and polar, at codon 855 of the PCDH15 protein (p.Arg855Gln). This variant is present in population databases (rs763530050, gnomAD 0.01%). This variant has not been reported in the literature in individuals affected with PCDH15-related conditions. ClinVar contains an entry for this variant (Variation ID: 858422). Algorithms developed to predict the effect of missense changes on protein structure and function (SIFT, PolyPhen-2, Align-GVGD) all suggest that this variant is likely to be tolerated. Algorithms developed to predict the effect of sequence changes on RNA splicing suggest that this variant may create or strengthen a splice site. In summary, the available evidence is currently insufficient to determine the role of this variant in disease. Therefore, it has been classified as a Variant of Uncertain Significance.

Natera, Inc.
Classification: Uncertain significance for Usher syndrome type 1F. Last evaluated: 2020-03-02. Review status: no assertion criteria provided. Collection method: clinical testing. Allele origin: germline. Not counted in ClinVar's aggregate classification.

NM_001384140.1(PCDH15):c.2564G>A (p.Arg855Gln)

Gene: PCDH15 (protocadherin related 15; minus strand). Cytogenetic location: 10q21.1.
Variant type: single nucleotide variant.
Coding change: c.2564G>A on transcript NM_001384140.1 (MANE Select); coding-DNA position 2564, G replaced by A.
Protein change: p.Arg855Gln; replaces arginine 855 with glutamine.
Molecular consequence: missense variant.
Genome position (GRCh38, 1-based): chr10:54,020,379, C>T on the plus strand (G>A on the coding strand, the complement: PCDH15 is on the minus strand). VCF-style: chr10-54020379-C-T. GRCh37 (hg19) VCF-style: chr10-55780139-C-T.
Other names: c.2579G>A, p.Arg860Gln (NM_001142763.2, NM_001142771.2); c.2564G>A, p.Arg855Gln (NM_001142764.2, NM_001142766.2, NM_001142770.3 and 5 more transcripts); c.2351G>A, p.Arg784Gln (NM_001142765.2); c.2453G>A, p.Arg818Gln (NM_001142767.2); c.2498G>A, p.Arg833Gln (NM_001142768.2, NM_001142773.2, NM_001354404.2); c.2600G>A, p.Arg867Gln (NM_001142769.4); c.2585G>A, p.Arg862Gln (NM_001354411.2); short protein forms R784Q, R833Q, R860Q, R818Q, R855Q, R867Q, R862Q.
Identifiers: ClinVar variation 858422 (VCV000858422.7), dbSNP rs763530050, ClinGen allele CA5505982.